The following is an entry in ClinVar:

NM_000554.6(CRX):c.742del (p.Gln248fs)

Gene: CRX (cone-rod homeobox; plus strand). Cytogenetic location: 19q13.33.
Variant type: Deletion.
Coding change: c.742del on transcript NM_000554.6 (MANE Select); coding-DNA position 742, one base deleted (C; older notation c.742delC).
Protein change: p.Gln248fs; shifts the reading frame from glutamine 248.
Molecular consequence: frameshift variant.
Genome position (GRCh38, 1-based): chr19:47,839,809, C deleted; the last of 3 consecutive C bases (chr19:47,839,807-47,839,809); deleting any one gives the same sequence. VCF-style (leftmost placement, unchanged base first): chr19-47839806-GC-G. GRCh37 (hg19) VCF-style: chr19-48343063-GC-G.
Other names: short protein forms Q248fs.
Identifiers: ClinVar variation 3781257 (VCV003781257.1).

ClinVar aggregate classification (germline): Uncertain significance (1 of 4 stars; one submission).

Submission:

GeneDx
Classification: Uncertain significance. Last evaluated: 2024-10-17. Review status: criteria provided, single submitter. Criteria: GeneDx Variant Classification Process June 2021. Collection method: clinical testing. Allele origin: germline. Affected: yes.
Comment: Frameshift variant predicted to result in abnormal protein length as the last 52 amino acid(s) are replaced with 122 different amino acid(s); Not observed at significant frequency in large population cohorts (gnomAD); Has not been previously published as pathogenic or benign to our knowledge